The following is an entry in ClinVar:

NM_007294.4(BRCA1):c.4001del (p.Gly1334fs)

Genes: BRCA1 (BRCA1 DNA repair associated; minus strand), LOC126862571 (BRD4-independent group 4 enhancer GRCh37_chr17:41243136-41244335; plus strand). Cytogenetic location: 17q21.31.
Variant type: Deletion.
Coding change: c.4001del on transcript NM_007294.4 (MANE Select); coding-DNA position 4001, one base deleted (G; older notation c.4001delG).
Protein change: p.Gly1334fs; shifts the reading frame from glycine 1334.
Molecular consequence: frameshift variant. On other transcripts: intron variant (135).
Genome position (GRCh38, 1-based): chr17:43,091,530, C deleted on the plus strand (G on the coding strand, the reverse complement: BRCA1 is on the minus strand); the first of 2 consecutive C bases (chr17:43,091,530-43,091,531); deleting either gives the same sequence. VCF-style (leftmost placement, unchanged base first): chr17-43091529-AC-A. GRCh37 (hg19) VCF-style: chr17-41243546-AC-A.
Other names: 4120delG-ter1335; c.3497del, p.Gly1166fs (NM_001407965.1); c.3113del, p.Gly1038fs (NM_001407966.1, NM_001407967.1); c.1397del, p.Gly466fs (NM_001407968.1, NM_001407969.1); c.3860del, p.Gly1287fs (NM_007297.4, NM_001407692.1, NM_001407694.1 and 29 more transcripts); c.4001del, p.Gly1334fs (NM_007300.4, NM_001407581.1, NM_001407582.1 and 30 more transcripts); c.647-498del (NM_001408458.1, NM_001408469.1, NM_001408453.1 and 11 more transcripts); c.284-498del (NM_001408512.1); and 43 more; short protein forms G1287fs, G1334fs, G1207fs, G1222fs, G1266fs, G1267fs, G1307fs, G1038fs.
Identifiers: ClinVar variation 55073 (VCV000055073.7), dbSNP rs397509127, ClinGen allele CA002564.

ClinVar aggregate classification (germline): Pathogenic. Review status: reviewed by expert panel (3 of 4 stars). 2 submissions from 2 submitters: Pathogenic (1). 1 of the submissions does not count toward it. Last evaluated 2016-10-18.

Conditions:
Breast-ovarian cancer, familial, susceptibility to, 1 (BROVCA1). Also called: BRCA1 Hereditary Breast and Ovarian Cancer; OVARIAN CANCER, SUSCEPTIBILITY TO. Identifiers: Orphanet 145, MedGen C2676676, MONDO:0011450, OMIM 604370. Disease mechanism: loss of function.

Submissions (2):

Evidence-based Network for the Interpretation of Germline Mutant Alleles (ENIGMA)
Classification: Pathogenic for Breast-ovarian cancer, familial, susceptibility to, 1. Last evaluated: 2016-10-18. Review status: reviewed by expert panel. Criteria: ENIGMA BRCA1/2 Classification Criteria (2015). Collection method: curation. Allele origin: germline.
Comment: Variant allele predicted to encode a truncated non-functional protein.

Consortium of Investigators of Modifiers of BRCA1/2 (CIMBA), c/o University of Cambridge
Classification: Pathogenic for Breast-ovarian cancer, familial, susceptibility to, 1. Last evaluated: 2015-10-02. Review status: criteria provided, single submitter. Criteria: CIMBA Mutation Classification guidelines May 2016. Collection method: clinical testing. Allele origin: germline. Not counted in ClinVar's aggregate classification.